The following is an entry in ClinVar:

NM_015213.4(DENND5A):c.1871C>T (p.Ser624Phe)

Gene: DENND5A (DENN domain containing 5A; minus strand). Cytogenetic location: 11p15.4.
Variant type: single nucleotide variant.
Coding change: c.1871C>T on transcript NM_015213.4 (MANE Select); coding-DNA position 1871, C replaced by T.
Protein change: p.Ser624Phe; replaces serine 624 with phenylalanine.
Molecular consequence: missense variant. On other transcripts: non-coding transcript variant (1).
Genome position (GRCh38, 1-based): chr11:9,178,167, G>A on the plus strand (C>T on the coding strand, the complement: DENND5A is on the minus strand). VCF-style: chr11-9178167-G-A. GRCh37 (hg19) VCF-style: chr11-9199714-G-A.
Other names: c.1871C>T, p.Ser624Phe (NM_001243254.2); c.1799C>T, p.Ser600Phe (NM_001348749.2); c.1583C>T, p.Ser528Phe (NM_001348750.2); short protein forms S528F, S600F, S624F.
Identifiers: ClinVar variation 5019205 (VCV005019205.2).

ClinVar aggregate classification (germline): Uncertain significance (1 of 4 stars; one submission).

Conditions:
Developmental and epileptic encephalopathy, 49 (DEE49). Also called: Epileptic encephalopathy, early infantile, 49. Identifiers: MedGen C4310635, MONDO:0015002, OMIM 617281.

Submission:

Juno Genomics, Hangzhou Juno Genomics, Inc
Classification: Uncertain significance for Developmental and epileptic encephalopathy, 49. Review status: criteria provided, single submitter. Criteria: ACMG Guidelines, 2015. Collection method: clinical testing. Allele origin: germline.
Comment: Absent from controls (or at extremely low frequency if recessive) in Genome Aggregation Database.;Missense variant in a gene that has a low rate of benign missense variation.